The following is an entry in ClinVar:

NM_152866.3(MS4A1):c.226A>T (p.Ile76Phe)

Gene: MS4A1 (membrane spanning 4-domains A1; plus strand). Cytogenetic location: 11q12.2.
Variant type: single nucleotide variant.
Coding change: c.226A>T on transcript NM_152866.3 (MANE Select); coding-DNA position 226, A replaced by T.
Protein change: p.Ile76Phe; replaces isoleucine 76 with phenylalanine.
Molecular consequence: missense variant.
Genome position (GRCh38, 1-based): chr11:60,463,068, A>T. VCF-style: chr11-60463068-A-T. GRCh37 (hg19) VCF-style: chr11-60230541-A-T.
Other names: c.226A>T, p.Ile76Phe (NM_021950.4, NM_152867.2); short protein forms I76F.
Identifiers: ClinVar variation 1953162 (VCV001953162.5), dbSNP rs558358265, ClinGen allele CA6024903.
Genomic context (GRCh38, chr11:60,463,068, plus strand): 5'-CAGATTATGAATGGGCTCTTCCACATTGCCCTGGGGGGTCTTCTGATGATCCCAGCAGGG[A>T]TCTATGCACCCATCTGTGTGACTGTGTGGTACCCTCTCTGGGGAGGCATTATGGTGAGTA-3'
Protein context (NP_690605.1, residues 66-86): LGGLLMIPAG[Ile76Phe]YAPICVTVWY

ClinVar aggregate classification (germline): Uncertain significance (1 of 4 stars; one submission).

Allele frequency attached by ClinVar (database versions not stated): gnomAD exomes below 0.00001; 1000 Genomes Project 0.00020; ExAC 0.00001; 1000 Genomes Project 30x 0.00016; gnomAD 0.00001.

Submission:

Labcorp Genetics (formerly Invitae), Labcorp
Classification: Uncertain significance. Last evaluated: 2026-01-11. Review status: criteria provided, single submitter. Criteria: Invitae Variant Classification Sherloc (09022015). Collection method: clinical testing. Allele origin: germline.
Comment: This sequence change replaces isoleucine, which is neutral and non-polar, with phenylalanine, which is neutral and non-polar, at codon 76 of the MS4A1 protein (p.Ile76Phe). This variant is present in population databases (rs558358265, gnomAD 0.02%). This variant has not been reported in the literature in individuals affected with MS4A1-related conditions. ClinVar contains an entry for this variant (Variation ID: 1953162). An algorithm developed to predict the effect of missense changes on protein structure and function (PolyPhen-2) suggests that this variant is likely to be tolerated. In summary, the available evidence is currently insufficient to determine the role of this variant in disease. Therefore, it has been classified as a Variant of Uncertain Significance.